The following is an entry in ClinVar:

NM_001160372.4(TRAPPC9):c.2768G>A (p.Arg923Lys)

Gene: TRAPPC9 (trafficking protein particle complex subunit 9; minus strand). Cytogenetic location: 8q24.3.
Variant type: single nucleotide variant.
Coding change: c.2768G>A on transcript NM_001160372.4 (MANE Select); coding-DNA position 2768, G replaced by A.
Protein change: p.Arg923Lys; replaces arginine 923 with lysine.
Molecular consequence: missense variant. On other transcripts: non-coding transcript variant (1), intron variant (1).
Genome position (GRCh38, 1-based): chr8:139,988,768, C>T on the plus strand (G>A on the coding strand, the complement: TRAPPC9 is on the minus strand). VCF-style: chr8-139988768-C-T. GRCh37 (hg19) VCF-style: chr8-140998976-C-T.
Other names: c.2741G>A, p.Arg914Lys (NM_001321646.2); c.2789G>A, p.Arg930Lys (NM_001374682.1); c.2624G>A, p.Arg875Lys (NM_001374684.1); c.2768G>A, p.Arg923Lys (NM_031466.8); c.2699+35169G>A (NM_001374683.1); short protein forms R875K, R914K, R923K, R930K.
Identifiers: ClinVar variation 3336220 (VCV003336220.1).
Genomic context (GRCh38, chr8:139,988,768, plus strand): 5'-GGTCTATGGGACACTTACCGCTGGCACTCACCGGCGTGCAGGATGAGTGCCTCGCTGCTC[C>T]TGGTGCTGACGGTCAGCTCATGCTCGGTGGAGTTGAAGACATCCAGGAGCAGGTGACACT-3'
Protein context (NP_001153844.1, residues 913-933): STEHELTVST[Arg923Lys]SSEALILHAG

ClinVar aggregate classification (germline): Uncertain significance (1 of 4 stars; one submission).

gnomAD v4.1: 3 of 1,551,440 alleles (0.00019%); highest among the groups gnomAD compares: Non-Finnish European, 0.00026%; no homozygotes.

Submission:

Women's Health and Genetics/Laboratory Corporation of America, LabCorp
Classification: Uncertain significance. Last evaluated: 2024-05-03. Review status: criteria provided, single submitter. Criteria: LabCorp Variant Classification Summary - May 2015. Collection method: clinical testing. Allele origin: germline.
Comment: Variant summary: TRAPPC9 c.2768G>A (p.Arg923Lys) results in a conservative amino acid change in the encoded protein sequence. Five of five in-silico tools predict a benign effect of the variant on protein function. The variant was absent in 156226 control chromosomes. The available data on variant occurrences in the general population are insufficient to allow any conclusion about variant significance. To our knowledge, no occurrence of c.2768G>A in individuals affected with Intellectual Disability, Autosomal Recessive 13 and no experimental evidence demonstrating its impact on protein function have been reported. No submitters have cited clinical-significance assessments for this variant to ClinVar. Based on the evidence outlined above, the variant was classified as uncertain significance.